The following is an entry in ClinVar:

NM_000435.3(NOTCH3):c.2822A>T (p.Asp941Val)

Gene: NOTCH3 (notch receptor 3; minus strand). Cytogenetic location: 19p13.12.
Variant type: single nucleotide variant.
Coding change: c.2822A>T on transcript NM_000435.3 (MANE Select); coding-DNA position 2822, A replaced by T.
Protein change: p.Asp941Val; replaces aspartic acid 941 with valine.
Molecular consequence: missense variant.
Genome position (GRCh38, 1-based): chr19:15,181,133, T>A on the plus strand (A>T on the coding strand, the complement: NOTCH3 is on the minus strand). VCF-style: chr19-15181133-T-A. GRCh37 (hg19) VCF-style: chr19-15291944-T-A.
Other names: short protein forms D941V.
Identifiers: ClinVar variation 1307484 (VCV001307484.3), dbSNP rs369213416, ClinGen allele CA305770710.

ClinVar aggregate classification (germline): Uncertain significance (1 of 4 stars; one submission).

Allele frequency attached by ClinVar (database versions not stated): gnomAD exomes below 0.00001 and 0.00001; gnomAD 0.00001; TOPMed 0.00002; ESP Exome Variant Server 0.00008.
gnomAD v4.1: 9 of 1,605,728 alleles (0.00056%); highest among the groups gnomAD compares: African/African-American, 0.0013%; no homozygotes.

Submission:

GeneDx
Classification: Uncertain significance. Last evaluated: 2024-03-17. Review status: criteria provided, single submitter. Criteria: GeneDx Variant Classification Process June 2021. Collection method: clinical testing. Allele origin: germline. Affected: yes.
Comment: Not observed at significant frequency in large population cohorts (gnomAD); In silico analysis supports that this missense variant has a deleterious effect on protein structure/function; Has not been previously published as pathogenic or benign to our knowledge